The following is an entry in ClinVar:

NM_000875.5(IGF1R):c.3986C>G (p.Pro1329Arg)

Gene: IGF1R (insulin like growth factor 1 receptor; plus strand). Cytogenetic location: 15q26.3.
Variant type: single nucleotide variant.
Coding change: c.3986C>G on transcript NM_000875.5 (MANE Select); coding-DNA position 3986, C replaced by G.
Protein change: p.Pro1329Arg; replaces proline 1329 with arginine.
Molecular consequence: missense variant.
Genome position (GRCh38, 1-based): chr15:98,957,324, C>G. VCF-style: chr15-98957324-C-G. GRCh37 (hg19) VCF-style: chr15-99500553-C-G.
Other names: c.3983C>G, p.Pro1328Arg (NM_001291858.2); c.3986C>G (NM_000875.4); short protein forms P1329R, P1328R.
Identifiers: ClinVar variation 2861372 (VCV002861372.4), dbSNP rs2017037617, ClinGen allele CA393669491.

ClinVar aggregate classification (germline): Uncertain significance. Review status: criteria provided, multiple submitters, no conflicts (2 of 4 stars). 2 submissions from 2 submitters: Uncertain significance (2). Last evaluated 2025-10-28.

Conditions:
IGF1R-related disorder. Also called: IGF1R-related condition.

Submissions (2):

PreventionGenetics, part of Exact Sciences
Classification: Uncertain significance for IGF1R-related condition. Last evaluated: 2025-10-28. Review status: criteria provided, single submitter. Criteria: ACMG Guidelines, 2015. Collection method: clinical testing. Allele origin: germline.
Comment: The IGF1R c.3986C>G variant is predicted to result in the amino acid substitution p.Pro1329Arg. To our knowledge, this variant has not been reported in the literature or in a large population database (gnomAD), indicating this variant is rare. At this time, the clinical significance of this variant is uncertain due to the absence of conclusive functional and genetic evidence.

Labcorp Genetics (formerly Invitae), Labcorp
Classification: Uncertain significance. Last evaluated: 2023-05-01. Review status: criteria provided, single submitter. Criteria: Invitae Variant Classification Sherloc (09022015). Collection method: clinical testing. Allele origin: germline.
Comment: This variant is not present in population databases (gnomAD no frequency). This sequence change replaces proline, which is neutral and non-polar, with arginine, which is basic and polar, at codon 1329 of the IGF1R protein (p.Pro1329Arg). This variant has not been reported in the literature in individuals affected with IGF1R-related conditions. An algorithm developed to predict the effect of missense changes on protein structure and function (PolyPhen-2) suggests that this variant is likely to be disruptive. In summary, the available evidence is currently insufficient to determine the role of this variant in disease. Therefore, it has been classified as a Variant of Uncertain Significance.